The following is an entry in ClinVar:

NM_001252024.2(TRPM1):c.733G>A (p.Glu245Lys)

Gene: TRPM1 (transient receptor potential cation channel subfamily M member 1; minus strand). Cytogenetic location: 15q13.3.
Variant type: single nucleotide variant.
Coding change: c.733G>A on transcript NM_001252024.2 (MANE Select); coding-DNA position 733, G replaced by A.
Protein change: p.Glu245Lys; replaces glutamic acid 245 with lysine.
Molecular consequence: missense variant.
Genome position (GRCh38, 1-based): chr15:31,066,133, C>T on the plus strand (G>A on the coding strand, the complement: TRPM1 is on the minus strand). VCF-style: chr15-31066133-C-T. GRCh37 (hg19) VCF-style: chr15-31358336-C-T.
Other names: c.784G>A, p.Glu262Lys (NM_001252020.2); c.667G>A, p.Glu223Lys (NM_002420.6); short protein forms E223K, E262K, E245K.
Identifiers: ClinVar variation 596150 (VCV000596150.9), dbSNP rs756797592, ClinGen allele CA391531736.
Genomic context (GRCh38, chr15:31,066,133, plus strand): 5'-TACTTGTGTTGATCTTCTGCAGGGAGATGTGCTTTTCCAGCAGCCTTCGCAGCTTCACCT[C>T]GGCGCCATACTTGCCCAGGGTGCCATTGTCAGCCAGGATGAAGTGGGTGTGGGAGTTGTT-3'
Protein context (NP_001238953.1, residues 235-255): DNGTLGKYGA[Glu245Lys]VKLRRLLEKH

ClinVar aggregate classification (germline): Uncertain significance. Review status: criteria provided, multiple submitters, no conflicts (2 of 4 stars). 2 submissions from 2 submitters: Uncertain significance (2). Last evaluated 2022-07-05.

Allele frequency attached by ClinVar (database versions not stated): TOPMed 0.00001.
gnomAD v4.1: 13 of 1,614,194 alleles (0.00081%); highest among the groups gnomAD compares: Admixed American, 0.0017%; no homozygotes.

Submissions (2):

Labcorp Genetics (formerly Invitae), Labcorp
Classification: Uncertain significance. Last evaluated: 2022-07-05. Review status: criteria provided, single submitter. Criteria: Invitae Variant Classification Sherloc (09022015). Collection method: clinical testing. Allele origin: germline.
Comment: In summary, the available evidence is currently insufficient to determine the role of this variant in disease. Therefore, it has been classified as a Variant of Uncertain Significance. Algorithms developed to predict the effect of missense changes on protein structure and function (SIFT, PolyPhen-2, Align-GVGD) all suggest that this variant is likely to be disruptive. ClinVar contains an entry for this variant (Variation ID: 596150). This variant has not been reported in the literature in individuals affected with TRPM1-related conditions. This variant is present in population databases (no rsID available, gnomAD 0.003%). This sequence change replaces glutamic acid, which is acidic and polar, with lysine, which is basic and polar, at codon 223 of the TRPM1 protein (p.Glu223Lys).

Eurofins Ntd Llc (ga)
Classification: Uncertain significance. Last evaluated: 2018-02-20. Review status: criteria provided, single submitter. Criteria: EGL ClinVar v180209 classification definitions. Collection method: clinical testing. Allele origin: germline. Observed: 1 variant allele, 1 heterozygote.